The following is an entry in ClinVar:

ClinVar aggregate classification (germline): Uncertain significance. Review status: criteria provided, multiple submitters, no conflicts (2 of 4 stars). 2 submissions from 2 submitters: Uncertain significance (2). Last evaluated 2020-06-25.

Allele frequency attached by ClinVar (database versions not stated): ExAC 0.00010; gnomAD exomes 0.00010; TOPMed 0.00012; gnomAD 0.00014; ESP Exome Variant Server 0.00015; 1000 Genomes Project 30x 0.00016; 1000 Genomes Project 0.00020.
gnomAD v4.1: 223 of 1,614,130 alleles (0.014%); highest among the groups gnomAD compares: Non-Finnish European, 0.018%; 1 homozygote.

Submissions (2):

GeneDx
Classification: Uncertain significance. Last evaluated: 2020-06-25. Review status: criteria provided, single submitter. Criteria: GeneDx Variant Classification Process June 2021. Collection method: clinical testing. Allele origin: germline. Affected: yes.
Comment: In silico analysis supports that this missense variant has a deleterious effect on protein structure/function; Has not been previously published as pathogenic or benign to our knowledge

Genetic Services Laboratory, University of Chicago
Classification: Uncertain significance. Last evaluated: 2015-02-18. Review status: criteria provided, single submitter. Criteria: ACMG Guidelines, 2015. Collection method: clinical testing. Allele origin: germline.

NM_001205254.2(OCLN):c.197G>T (p.Arg66Leu)

Gene: OCLN (occludin; plus strand). Cytogenetic location: 5q13.2.
Variant type: single nucleotide variant.
Coding change: c.197G>T on transcript NM_001205254.2 (MANE Select); coding-DNA position 197, G replaced by T.
Protein change: p.Arg66Leu; replaces arginine 66 with leucine.
Molecular consequence: missense variant. On other transcripts: intron variant (1).
Genome position (GRCh38, 1-based): chr5:69,509,287, G>T. VCF-style: chr5-69509287-G-T. GRCh37 (hg19) VCF-style: chr5-68805114-G-T.
Other names: c.197G>T, p.Arg66Leu (NM_001410743.1, NM_001438048.1, NM_001438604.1 and 1 more transcripts); c.-24-4661G>T (NM_001205255.2); short protein forms R66L.
Identifiers: ClinVar variation 211776 (VCV000211776.8), dbSNP rs116363086, ClinGen allele CA208038.